The following is an entry in ClinVar:

ClinVar aggregate classification (germline): Uncertain significance (1 of 4 stars; one submission).

Conditions:
Intellectual developmental disorder, X-linked 1. Also called: Atkin Flaitz Patil Smith syndrome; MENTAL RETARDATION, X-LINKED 18; MENTAL RETARDATION, X-LINKED 78; Intellectual disability, X-linked 1. Identifiers: Orphanet 777, MedGen C2931498, MONDO:0010656, OMIM 309530.

Submission:

Labcorp Genetics (formerly Invitae), Labcorp
Classification: Uncertain significance for Intellectual developmental disorder, X-linked 1. Last evaluated: 2023-11-27. Review status: criteria provided, single submitter. Criteria: Invitae Variant Classification Sherloc (09022015). Collection method: clinical testing. Allele origin: unknown.
Comment: A copy number gain of the genomic region encompassing the full coding sequence of the IQSEC2 gene has been identified. The boundaries of this event are unknown as they extend beyond the assayed region for this gene and therefore may encompass additional genes. As the precise location of this event is unknown, it may be in tandem or it may be located elsewhere in the genome. Isolated whole-gene copy number gains of IQSEC2 have not been reported in the literature. However, larger copy number events that include this gene have been reported (PMID: 26059843). Experimental studies and prediction algorithms are not available or were not evaluated, and the functional significance of this variant is currently unknown. In summary, the available evidence is currently insufficient to determine the role of this variant in disease. Therefore, it has been classified as a Variant of Uncertain Significance.

Literature cited by the submitters: PubMed 26059843.

NC_000023.10:g.(?_53222149)_(54521865_?)dup

Genes: FAM120C (family with sequence similarity 120 member C; minus strand), FGD1 (FYVE, RhoGEF and PH domain containing 1; minus strand), HSD17B10 (hydroxysteroid 17-beta dehydrogenase 10; minus strand), HUWE1 (HECT, UBA and WWE domain containing E3 ubiquitin protein ligase 1; minus strand), IQSEC2 (IQ motif and Sec7 domain ArfGEF 2; minus strand) and 8 more. Cytogenetic location: Xp11.22.
Variant type: Duplication.
Identifiers: ClinVar variation 3245395 (VCV003245395.1).